The following is an entry in ClinVar:

NM_000245.4(MET):c.1968T>A (p.Asp656Glu)

Gene: MET (MET proto-oncogene, receptor tyrosine kinase; plus strand). Cytogenetic location: 7q31.2.
Variant type: single nucleotide variant.
Coding change: c.1968T>A on transcript NM_000245.4 (MANE Select); coding-DNA position 1968, T replaced by A.
Protein change: p.Asp656Glu; replaces aspartic acid 656 with glutamic acid.
Molecular consequence: missense variant.
Genome position (GRCh38, 1-based): chr7:116,757,640, T>A. VCF-style: chr7-116757640-T-A. GRCh37 (hg19) VCF-style: chr7-116397694-T-A.
Other names: c.1968T>A, p.Asp656Glu (NM_001127500.3, NM_001324401.3); c.678T>A, p.Asp226Glu (NM_001324402.2); short protein forms D226E, D656E.
Identifiers: ClinVar variation 2803586 (VCV002803586.3), dbSNP rs2485712843, ClinGen allele CA368979587.

ClinVar aggregate classification (germline): Uncertain significance (1 of 4 stars; one submission).

Conditions:
Renal cell carcinoma. Identifiers: Orphanet 217071, MedGen C0007134, MeSH D002292, MONDO:0005086, HP:0005584.

Submission:

Labcorp Genetics (formerly Invitae), Labcorp
Classification: Uncertain significance for Renal cell carcinoma. Last evaluated: 2023-07-31. Review status: criteria provided, single submitter. Criteria: Invitae Variant Classification Sherloc (09022015). Collection method: clinical testing. Allele origin: germline.
Comment: This sequence change replaces aspartic acid, which is acidic and polar, with glutamic acid, which is acidic and polar, at codon 656 of the MET protein (p.Asp656Glu). This variant is not present in population databases (gnomAD no frequency). This variant has not been reported in the literature in individuals affected with MET-related conditions. An algorithm developed to predict the effect of missense changes on protein structure and function (PolyPhen-2) suggests that this variant is likely to be tolerated. In summary, the available evidence is currently insufficient to determine the role of this variant in disease. Therefore, it has been classified as a Variant of Uncertain Significance.